The following is an entry in ClinVar:

NM_016507.4(CDK12):c.2844C>G (p.Ile948Met)

Gene: CDK12 (cyclin dependent kinase 12; plus strand). Cytogenetic location: 17q12.
Variant type: single nucleotide variant.
Coding change: c.2844C>G on transcript NM_016507.4 (MANE Select); coding-DNA position 2844, C replaced by G.
Protein change: p.Ile948Met; replaces isoleucine 948 with methionine.
Molecular consequence: missense variant.
Genome position (GRCh38, 1-based): chr17:39,515,806, C>G. VCF-style: chr17-39515806-C-G. GRCh37 (hg19) VCF-style: chr17-37672059-C-G.
Other names: c.2844C>G, p.Ile948Met (NM_015083.4); short protein forms I948M.
Identifiers: ClinVar variation 3999412 (VCV003999412.1).

ClinVar aggregate classification (germline): Uncertain significance (1 of 4 stars; one submission).

gnomAD v4.1: 2 of 1,609,416 alleles (0.00012%); highest among the groups gnomAD compares: Non-Finnish European, 0.00017%; no homozygotes.

Submission:

Ambry Genetics
Classification: Uncertain significance. Last evaluated: 2025-05-02. Review status: criteria provided, single submitter. Criteria: Ambry Variant Classification Scheme 2023. Collection method: clinical testing. Allele origin: germline.
Comment: The p.I948M variant (also known as c.2844C>G), located in coding exon 9 of the CDK12 gene, results from a C to G substitution at nucleotide position 2844. The isoleucine at codon 948 is replaced by methionine, an amino acid with highly similar properties. This amino acid position is conserved. In addition, this alteration is predicted to be deleterious by in silico analysis. Based on the available evidence, the clinical significance of this variant remains unclear.